The following is an entry in ClinVar:

ClinVar aggregate classification (germline): Conflicting classifications of pathogenicity. Review status: criteria provided, conflicting classifications (1 of 4 stars). 3 submissions from 3 submitters: Likely pathogenic (2); Uncertain significance (1). Last evaluated 2025-04-28.

Conditions:
NRXN1-related disorder.
Pitt-Hopkins-like syndrome 2 (PTHSL2). Identifiers: Orphanet 221150, Orphanet 600663, MedGen C3280479, MONDO:0013690, OMIM 614325.

Allele frequency attached by ClinVar (database versions not stated): gnomAD exomes 0.00001; ExAC 0.00002; TOPMed 0.00002; gnomAD 0.00003 and 0.00004.
gnomAD v4.1: 22 of 1,589,566 alleles (0.0014%); highest among the groups gnomAD compares: East Asian, 0.0045%; no homozygotes.

Submissions (3):

Labcorp Genetics (formerly Invitae), Labcorp
Classification: Likely pathogenic for Pitt-Hopkins-like syndrome 2. Last evaluated: 2025-04-28. Review status: criteria provided, single submitter. Criteria: Invitae Variant Classification Sherloc (09022015). Collection method: clinical testing. Allele origin: germline.
Comment: This sequence change affects an acceptor splice site in intron 2 of the NRXN1 gene. It is expected to disrupt RNA splicing. Variants that disrupt the donor or acceptor splice site typically lead to a loss of protein function (PMID: 16199547), and loss-of-function variants in NRXN1 are known to be pathogenic (PMID: 19896112, 21964664, 23495017, 23533028, 25149956, 30031152). This variant is present in population databases (rs771759988, gnomAD 0.01%). Disruption of this splice site has been observed in individual(s) with clinical features of NRXN1-related conditions (PMID: 26185613, 33004838, 36368308). This variant is also known as g.51253608C>T. ClinVar contains an entry for this variant (Variation ID: 336552). Algorithms developed to predict the effect of sequence changes on RNA splicing suggest that this variant may disrupt the consensus splice site. In summary, the currently available evidence indicates that the variant is pathogenic, but additional data are needed to prove that conclusively. Therefore, this variant has been classified as Likely Pathogenic.

GeneDx
Classification: Uncertain significance. Last evaluated: 2024-11-12. Review status: criteria provided, single submitter. Criteria: GeneDx Variant Classification Process June 2021. Collection method: clinical testing. Allele origin: germline. Affected: yes.
Comment: Identified as heterozygous in large cohorts of individuals with neurodevelopmental disorders and epilepsy, however detailed clinical and segregation information was not provided (Truty et al., 2019; Wang et al., 2020); Canonical splice site variant predicted to result in an in-frame loss of the adjacent exon in a gene for which loss of function is a known mechanism of disease; This variant is associated with the following publications: (PMID: 26185613, 31440721, 33004838, 36368308)

PreventionGenetics, part of Exact Sciences
Classification: Likely pathogenic for NRXN1-related condition. Last evaluated: 2022-12-15. Review status: criteria provided, single submitter. Criteria: ACMG Guidelines, 2015. Collection method: clinical testing. Allele origin: germline.
Comment: The NRXN1 c.773-1G>A variant is predicted to disrupt the AG splice acceptor site and interfere with normal splicing. This variant was reported as a rare loss of function variant in a study of individuals with autism spectrum disorder (Additional File 3, Griswold et al. 2015. PubMed ID: 26185613) and as a rare variant in individuals with neurodevelopmental disorders (Supplemental Dataset 5, Wang et al. 2020. PubMed ID: 33004838). This variant is reported in 0.011% of alleles in individuals of East Asian descent in gnomAD. This variant is reported in 0.011% of alleles in individuals of East Asian descent in gnomAD. Variants that disrupt the consensus splice acceptor site in NRXN1 are expected to be pathogenic. This variant is interpreted as likely pathogenic.

Literature cited by the submitters: PubMed 16199547 (cited by Labcorp Genetics (formerly Invitae), Labcorp); PubMed 19896112 (cited by Labcorp Genetics (formerly Invitae), Labcorp); PubMed 21964664 (cited by Labcorp Genetics (formerly Invitae), Labcorp); PubMed 23495017 (cited by Labcorp Genetics (formerly Invitae), Labcorp); PubMed 23533028 (cited by Labcorp Genetics (formerly Invitae), Labcorp); PubMed 25149956 (cited by Labcorp Genetics (formerly Invitae), Labcorp); PubMed 30031152 (cited by Labcorp Genetics (formerly Invitae), Labcorp); PubMed 26185613 (cited by Labcorp Genetics (formerly Invitae), Labcorp); PubMed 33004838 (cited by Labcorp Genetics (formerly Invitae), Labcorp); PubMed 36368308 (cited by Labcorp Genetics (formerly Invitae), Labcorp).

NM_001330078.2(NRXN1):c.772+1032G>A

Gene: NRXN1 (neurexin 1; minus strand). Cytogenetic location: 2p16.3.
Variant type: single nucleotide variant.
Coding change: c.772+1032G>A on transcript NM_001330078.2 (MANE Select); 1032 bases into the intron after coding-DNA position 772, G replaced by A.
Molecular consequence: intron variant. On other transcripts: splice acceptor variant (1).
Genome position (GRCh38, 1-based): chr2:51,026,470, C>T on the plus strand (G>A on the coding strand, the complement: NRXN1 is on the minus strand). VCF-style: chr2-51026470-C-T. GRCh37 (hg19) VCF-style: chr2-51253608-C-T.
Other names: c.772+1032G>A (NM_001330082.2, NM_001330077.2, NM_001330085.2 and 14 more transcripts); c.773-1G>A (NM_001135659.3, NM_001135659.2).
Identifiers: ClinVar variation 336552 (VCV000336552.18), dbSNP rs771759988, ClinGen allele CA1655397.